The following is an entry in ClinVar:

ClinVar aggregate classification (germline): Uncertain significance (1 of 4 stars; one submission).

gnomAD v4.1: 5 of 1,613,964 alleles (0.00031%); highest among the groups gnomAD compares: South Asian, 0.0055%; no homozygotes.

Submission:

GeneDx
Classification: Uncertain significance. Last evaluated: 2025-07-09. Review status: criteria provided, single submitter. Criteria: GeneDx Variant Classification Process June 2021. Collection method: clinical testing. Allele origin: germline. Affected: yes.
Comment: Not observed at significant frequency in large population cohorts (gnomAD); In silico analysis supports that this missense variant has a deleterious effect on protein structure/function; Has not been previously published as pathogenic or benign to our knowledge

NM_002474.3(MYH11):c.3405C>G (p.Asn1135Lys)

Gene: MYH11 (myosin heavy chain 11; minus strand). Cytogenetic location: 16p13.11.
Variant type: single nucleotide variant.
Coding change: c.3405C>G on transcript NM_002474.3 (MANE Select); coding-DNA position 3405, C replaced by G.
Protein change: p.Asn1135Lys; replaces asparagine 1135 with lysine.
Molecular consequence: missense variant.
Genome position (GRCh38, 1-based): chr16:15,735,467, G>C on the plus strand (C>G on the coding strand, the complement: MYH11 is on the minus strand). VCF-style: chr16-15735467-G-C. GRCh37 (hg19) VCF-style: chr16-15829324-G-C.
Other names: c.3426C>G, p.Asn1142Lys (NM_001040113.2, NM_001040114.2); c.3405C>G, p.Asn1135Lys (NM_022844.3); short protein forms N1135K, N1142K.
Identifiers: ClinVar variation 4685221 (VCV004685221.1).